The following is an entry in ClinVar:

ClinVar aggregate classification (germline): Likely pathogenic (1 of 4 stars; one submission).

Conditions:
Hereditary spherocytosis type 1. Also called: Spherocytosis type 1; ANK1-Related Spherocytosis. Identifiers: Orphanet 822, MedGen C2674218, MONDO:0008447, OMIM 182900.

Submission:

3billion
Classification: Likely pathogenic for Hereditary spherocytosis type 1. Last evaluated: 2023-02-23. Review status: criteria provided, single submitter. Criteria: ACMG Guidelines, 2015. Collection method: clinical testing. Allele origin: unknown. Affected: yes.
Comment: The variant is not observed in the gnomAD v2.1.1 dataset. This variant was predicted to result in a loss or disruption of normal protein function through nonsense-mediated decay (NMD) or protein truncation. Multiple pathogenic variants are reported downstream of the variant. Therefore, this variant is classified as Likely pathogenic according to the recommendation of ACMG/AMP guideline.

NM_000037.4(ANK1):c.2283del (p.Asn761fs)

Gene: ANK1 (ankyrin 1; minus strand). Cytogenetic location: 8p11.21.
Variant type: Deletion.
Coding change: c.2283del on transcript NM_000037.4 (MANE Select); coding-DNA position 2283, one base deleted (C; older notation c.2283delC).
Protein change: p.Asn761fs; shifts the reading frame from asparagine 761.
Molecular consequence: frameshift variant.
Genome position (GRCh38, 1-based): chr8:41,704,053, G deleted on the plus strand (C on the coding strand, the reverse complement: ANK1 is on the minus strand). VCF-style (leftmost placement, unchanged base first): chr8-41704052-CG-C. GRCh37 (hg19) VCF-style: chr8-41561570-CG-C.
Other names: c.2382del, p.Asn794fs (NM_001142446.2); c.2283del, p.Asn761fs (NM_020475.3, NM_020476.3, NM_020477.3); short protein forms N761fs, N794fs.
Identifiers: ClinVar variation 2444218 (VCV002444218.1), dbSNP rs2486838960, ClinGen allele CA2580078275.